The following is an entry in ClinVar:

NM_007294.4(BRCA1):c.-13G>T

Gene: BRCA1 (BRCA1 DNA repair associated; minus strand). Cytogenetic location: 17q21.31.
Variant type: single nucleotide variant.
Coding change: c.-13G>T on transcript NM_007294.4 (MANE Select); 13 bases upstream of the start codon, G replaced by T.
Molecular consequence: 5 prime UTR variant. On other transcripts: non-coding transcript variant (1).
Genome position (GRCh38, 1-based): chr17:43,124,109, C>A on the plus strand (G>T on the coding strand, the complement: BRCA1 is on the minus strand). VCF-style: chr17-43124109-C-A. GRCh37 (hg19) VCF-style: chr17-41276126-C-A.
Other names: c.-201G>T (NM_001407571.1, NM_001407853.1, NM_001407879.1 and 42 more transcripts); c.-13G>T (NM_001407581.1, NM_001407582.1, NM_001407583.1 and 169 more transcripts); c.-270G>T (NM_001407694.1, NM_001407724.1, NM_001407727.1 and 11 more transcripts); c.-274G>T (NM_001407695.1, NM_001408465.1); c.-415G>T (NM_001407696.1); c.-299G>T (NM_001407697.1, NM_001407846.1, NM_001407920.1); c.-100G>T (NM_001407698.1, NM_001407732.1, NM_001407736.1 and 21 more transcripts); c.-273G>T (NM_001407725.1, NM_001407730.1, NM_001407734.1 and 22 more transcripts); and 8 more.
Identifiers: ClinVar variation 864959 (VCV000864959.3), dbSNP rs431825383, ClinGen allele CA916081161.

Conditions:
Breast-ovarian cancer, familial, susceptibility to, 1 (BROVCA1). Also called: BRCA1 Hereditary Breast and Ovarian Cancer; OVARIAN CANCER, SUSCEPTIBILITY TO. Identifiers: Orphanet 145, MedGen C2676676, MONDO:0011450, OMIM 604370. Disease mechanism: loss of function.

Submission:

Brotman Baty Institute, University of Washington
No classification provided (evidence only). Condition: Breast-ovarian cancer, familial 1. Review status: no classification provided. Collection method: in vitro. Allele origin: not applicable. Functional consequence: functionally_normal.
ClinVar note: "not provided" was previously submitted as the classification for the variant. However, the classification appeared to be based only on an observation of functional data so it was converted to no classification on 2025-07-30.